The following is an entry in ClinVar:

NM_007194.4(CHEK2):c.1008+13C>T

Gene: CHEK2 (checkpoint kinase 2; minus strand). Cytogenetic location: 22q12.1.
Variant type: single nucleotide variant.
Coding change: c.1008+13C>T on transcript NM_007194.4 (MANE Select); 13 bases into the intron after coding-DNA position 1008, C replaced by T.
Molecular consequence: intron variant.
Genome position (GRCh38, 1-based): chr22:28,699,825, G>A on the plus strand (C>T on the coding strand, the complement: CHEK2 is on the minus strand). VCF-style: chr22-28699825-G-A. GRCh37 (hg19) VCF-style: chr22-29095813-G-A.
Other names: c.345+13C>T (NM_001437942.1, NM_001257387.3); c.807+13C>T (NM_001349956.3); c.1008+13C>T (NM_145862.3); c.1101+13C>T (NM_001438295.1, NM_001438293.1); c.1137+13C>T (NM_001438294.1, NM_001005735.3).
Identifiers: ClinVar variation 371935 (VCV000371935.15), dbSNP rs193264230, ClinGen allele CA10167763.

ClinVar aggregate classification (germline): Benign/Likely benign. Review status: criteria provided, multiple submitters, no conflicts (2 of 4 stars). 5 submissions from 5 submitters: Benign (1); Likely benign (3). 1 of the submissions does not count toward it. Last evaluated 2026-01-11.

Conditions:
Bone osteosarcoma. Also called: Osteosarcoma, somatic. Identifiers: Orphanet 668, MedGen C0585442, MONDO:0002629, OMIM 259500.
Familial prostate cancer. Also called: Hereditary Prostate Cancer. Identifiers: MedGen C2931456, MONDO:0700275, OMIM 176807.
CHEK2-related cancer predisposition (TPDS4). Also called: CHEK2-related cancer susceptibility; TUMOR PREDISPOSITION SYNDROME 4; CANCER PREDISPOSITION SYNDROME, CHEK2-RELATED. Identifiers: Orphanet 524, MedGen C5882668, MONDO:0700271, OMIM 609265.
Familial cancer of breast. Also called: BREAST CANCER, FAMILIAL; hereditary breast carcinoma; Hereditary breast cancer. Identifiers: Orphanet 227535, MedGen C0346153, MONDO:0016419, OMIM 114480. Disease mechanism: loss of function.
Hereditary cancer-predisposing syndrome. Also called: Neoplastic Syndromes, Hereditary; Hereditary neoplastic syndrome; Tumor predisposition; Hereditary Cancer Syndrome. Identifiers: Orphanet 140162, MedGen C0027672, MeSH D009386, MONDO:0015356.

Allele frequency attached by ClinVar (database versions not stated): gnomAD exomes 0.00002 and 0.00001; ExAC 0.00003; 1000 Genomes Project 0.00040; ESP Exome Variant Server 0.00015; TOPMed 0.00027; gnomAD 0.00011; 1000 Genomes Project 30x 0.00047.
gnomAD v4.1: 28 of 1,575,176 alleles (0.0018%); highest among the groups gnomAD compares: Admixed American, 0.038%; 1 homozygote.

Submissions (5):

Labcorp Genetics (formerly Invitae), Labcorp
Classification: Likely benign for Familial cancer of breast. Last evaluated: 2026-01-11. Review status: criteria provided, single submitter. Criteria: Invitae Variant Classification Sherloc (09022015). Collection method: clinical testing. Allele origin: germline.

Department of Pathology and Laboratory Medicine, Sinai Health System
Classification: Likely benign for Familial prostate cancer; Bone osteosarcoma; CHEK2-related cancer predisposition. Last evaluated: 2024-04-12. Review status: criteria provided, single submitter. Criteria: ACMG Guidelines, 2015. Collection method: clinical testing. Allele origin: germline. Affected: no.

Color Diagnostics, LLC DBA Color Health
Classification: Likely benign for Hereditary cancer-predisposing syndrome. Last evaluated: 2017-01-03. Review status: criteria provided, single submitter. Criteria: ACMG Guidelines, 2015. Collection method: clinical testing. Allele origin: germline.

GeneDx
Classification: Benign. Last evaluated: 2015-03-27. Review status: criteria provided, single submitter. Criteria: GeneDx Variant Classification (06012015). Collection method: clinical testing. Allele origin: germline. Affected: yes.
Comment: This variant is considered likely benign or benign based on one or more of the following criteria: it is a conservative change, it occurs at a poorly conserved position in the protein, it is predicted to be benign by multiple in silico algorithms, and/or has population frequency not consistent with disease.

Counsyl
Classification: Likely benign for Familial cancer of breast. Last evaluated: 2016-08-25. Review status: no assertion criteria provided. Collection method: clinical testing. Allele origin: unknown. Not counted in ClinVar's aggregate classification.